The following is an entry in ClinVar:

NM_001366521.1(ATP2B1):c.2729C>A (p.Ser910Tyr)

Gene: ATP2B1 (ATPase plasma membrane Ca2+ transporting 1; minus strand). Cytogenetic location: 12q21.33.
Variant type: single nucleotide variant.
Coding change: c.2729C>A on transcript NM_001366521.1 (MANE Select); coding-DNA position 2729, C replaced by A.
Protein change: p.Ser910Tyr; replaces serine 910 with tyrosine.
Molecular consequence: missense variant.
Genome position (GRCh38, 1-based): chr12:89,603,831, G>T on the plus strand (C>A on the coding strand, the complement: ATP2B1 is on the minus strand). VCF-style: chr12-89603831-G-T. GRCh37 (hg19) VCF-style: chr12-89997608-G-T.
Other names: c.2729C>A, p.Ser910Tyr (NM_001001323.2, NM_001366520.1, NM_001366522.1 and 12 more transcripts); c.2531C>A, p.Ser844Tyr (NM_001366530.1, NM_001413053.1); c.2168C>A, p.Ser723Tyr (NM_001366531.1, NM_001366532.1, NM_001413058.1 and 2 more transcripts); c.2690C>A, p.Ser897Tyr (NM_001413048.1); c.2588C>A, p.Ser863Tyr (NM_001413051.1, NM_001413052.1, NM_001413055.1); c.2486C>A, p.Ser829Tyr (NM_001413054.1); c.2474C>A, p.Ser825Tyr (NM_001413056.1); c.2276C>A, p.Ser759Tyr (NM_001413057.1); short protein forms S723Y, S759Y, S825Y, S829Y, S844Y, S863Y, S897Y, S910Y.
Identifiers: ClinVar variation 4976347 (VCV004976347.1).

ClinVar aggregate classification (germline): Uncertain significance (1 of 4 stars; one submission).

Submission:

GeneDx
Classification: Uncertain significance. Last evaluated: 2026-02-06. Review status: criteria provided, single submitter. Criteria: GeneDx Variant Classification Process June 2021. Collection method: clinical testing. Allele origin: germline.
Comment: Not observed at significant frequency in large population cohorts (gnomAD); In silico analysis supports that this missense variant has a deleterious effect on protein structure/function; Has not been previously published as pathogenic or benign to our knowledge